The following is an entry in ClinVar:

NM_000202.8(IDS):c.895dup (p.Ser299fs)

Genes: IDS (iduronate 2-sulfatase; minus strand), LOC106050102 (IDS recombination region; plus strand). Cytogenetic location: Xq28.
Variant type: Duplication.
Coding change: c.895dup on transcript NM_000202.8 (MANE Select); coding-DNA position 895, one base duplicated (A; older notation c.895dupA).
Protein change: p.Ser299fs; shifts the reading frame from serine 299.
Molecular consequence: frameshift variant. On other transcripts: non-coding transcript variant (1).
Genome position (GRCh38, 1-based): chrX:149,490,425, T duplicated on the plus strand (A on the coding strand, the reverse complement: IDS is on the minus strand). VCF-style (leftmost placement, unchanged base first): chrX-149490424-C-CT. GRCh37 (hg19) VCF-style: chrX-148571955-C-CT.
Other names: c.625dup, p.Ser209fs (NM_001166550.4); c.895dup, p.Ser299fs (NM_006123.5); short protein forms S209fs, S299fs.
Identifiers: ClinVar variation 997039 (VCV000997039.3), dbSNP rs2124020775, ClinGen allele CA2499226418.
Genomic context (GRCh38, chrX:149,490,424, plus strand): 5'-TCCAAAGCACTCAAGAGGCGGCCGACCTGTGTATCCAAATATGACACAGAGGCAAAGTAG[C>CT]TCTGGCGGATTTTCCGCTGCAAATTGAAAAAAAATAAAAATGAGAGTGACTGCAATTTAA-3'

ClinVar aggregate classification (germline): Pathogenic. Review status: criteria provided, multiple submitters, no conflicts (2 of 4 stars). 2 submissions from 2 submitters: Pathogenic (2). Last evaluated 2024-06-07.

Conditions:
Mucopolysaccharidosis, MPS-II (MPS2). Also called: Mucopolysaccharidosis type 2; Hunter Syndrome; IDURONATE 2-SULFATASE DEFICIENCY; Mucopolysaccharidosis Type II; IDS deficiency; Sulfoiduronate sulfatase deficiency. Identifiers: Orphanet 580, Orphanet 79388, MedGen C0026705, MONDO:0010674, OMIM 309900.

Submissions (2):

Laboratory of Diagnosis and Therapy of Lysosomal Disorders, University of Padova
Classification: Pathogenic for Mucopolysaccharidosis, MPS-II. Last evaluated: 2024-06-07. Review status: criteria provided, single submitter. Criteria: ACMG Guidelines, 2015. Collection method: literature only. Allele origin: germline. Affected: yes. Observed: 1 variant allele.
Comment: Null variant (PVS1_VeryStrong), Absent from controls (or at low frequency) in gnomAD database (PM2_Moderate), Patient’s phenotype or family history highly specific for the disease (PP4_Moderate)

Classification method: ACMG Guidelines [PMID:25741868] with modifications

Department of Medical Genetics, Sanjay Gandhi Post Graduate Institute of Medical Sciences
Classification: Pathogenic for Mucopolysaccharidosis, MPS-II. Review status: criteria provided, single submitter. Criteria: ACMG Guidelines, 2015. Collection method: clinical testing. Allele origin: germline. Inheritance: X-linked recessive inheritance. Affected: yes. Observed: 1 variant allele, 1 hemizygote.

Literature cited by the submitters: PubMed 35144014 (cited by Laboratory of Diagnosis and Therapy of Lysosomal Disorders, University of Padova).